The following is an entry in ClinVar:

NM_032043.3(BRIP1):c.2479C>G (p.Gln827Glu)

Gene: BRIP1 (BRCA1 interacting DNA helicase 1; minus strand). Cytogenetic location: 17q23.2.
Variant type: single nucleotide variant.
Coding change: c.2479C>G on transcript NM_032043.3 (MANE Select); coding-DNA position 2479, C replaced by G.
Protein change: p.Gln827Glu; replaces glutamine 827 with glutamic acid.
Molecular consequence: missense variant.
Genome position (GRCh38, 1-based): chr17:61,715,964, G>C on the plus strand (C>G on the coding strand, the complement: BRIP1 is on the minus strand). VCF-style: chr17-61715964-G-C. GRCh37 (hg19) VCF-style: chr17-59793325-G-C.
Other names: c.2479C>G (NM_032043.2); short protein forms Q827E.
Identifiers: ClinVar variation 1436949 (VCV001436949.10), dbSNP rs786203898, ClinGen allele CA400479430.

ClinVar aggregate classification (germline): Uncertain significance. Review status: criteria provided, multiple submitters, no conflicts (2 of 4 stars). 2 submissions from 2 submitters: Uncertain significance (2). Last evaluated 2026-07-07.

Conditions:
Hereditary cancer-predisposing syndrome. Also called: Hereditary Cancer Syndrome; Neoplastic Syndromes, Hereditary; Hereditary neoplastic syndrome; Tumor predisposition. Identifiers: Orphanet 140162, MedGen C0027672, MeSH D009386, MONDO:0015356.
Familial cancer of breast. Also called: hereditary breast carcinoma; Hereditary breast cancer; BREAST CANCER, FAMILIAL. Identifiers: Orphanet 227535, MedGen C0346153, MONDO:0016419, OMIM 114480. Disease mechanism: loss of function.
Fanconi anemia complementation group J. Also called: BRIP1-Related Fanconi Anemia. Identifiers: Orphanet 84, MedGen C1836860, MONDO:0012187, OMIM 609054.

Submissions (2):

Ambry Genetics
Classification: Uncertain significance for Hereditary cancer-predisposing syndrome. Last evaluated: 2026-07-07. Review status: criteria provided, single submitter. Criteria: Ambry Variant Classification Scheme 2023. Collection method: clinical testing. Allele origin: germline.
Comment: The p.Q827E variant (also known as c.2479C>G), located in coding exon 16 of the BRIP1 gene, results from a C to G substitution at nucleotide position 2479. The glutamine at codon 827 is replaced by glutamic acid, an amino acid with highly similar properties. This amino acid position is conserved. In addition, this alteration is predicted to be deleterious by in silico analysis. Based on the available evidence, the clinical significance of this variant remains unclear.

Labcorp Genetics (formerly Invitae), Labcorp
Classification: Uncertain significance for Familial cancer of breast; Fanconi anemia complementation group J. Last evaluated: 2021-07-14. Review status: criteria provided, single submitter. Criteria: Invitae Variant Classification Sherloc (09022015). Collection method: clinical testing. Allele origin: germline.
Comment: This sequence change replaces glutamine with glutamic acid at codon 827 of the BRIP1 protein (p.Gln827Glu). The glutamine residue is highly conserved and there is a small physicochemical difference between glutamine and glutamic acid. This variant is not present in population databases (ExAC no frequency). This variant has not been reported in the literature in individuals affected with BRIP1-related conditions. Algorithms developed to predict the effect of missense changes on protein structure and function (SIFT, PolyPhen-2, Align-GVGD) all suggest that this variant is likely to be disruptive. In summary, the available evidence is currently insufficient to determine the role of this variant in disease. Therefore, it has been classified as a Variant of Uncertain Significance.